The following is an entry in ClinVar:

NM_001136193.2(FASTKD2):c.1595-12_1595-11del

Gene: FASTKD2 (FASTK mitochondrial RNA regulator 2; plus strand). Cytogenetic location: 2q33.3.
Variant type: Deletion.
Coding change: c.1595-12_1595-11del on transcript NM_001136193.2 (MANE Select); 12 bases into the intron before coding-DNA position 1595 through 11 bases into the intron before coding-DNA position 1595, 2 bases deleted (TT; older notation c.1595-12_1595-11delTT).
Molecular consequence: intron variant.
Genome position (GRCh38, 1-based): chr2:206,787,925-206,787,926, TT deleted; deleting any 2 consecutive bases within chr2:206,787,922-206,787,926 gives the same sequence; the c. name uses the placement nearest the transcript's 3' end. VCF-style (leftmost placement, unchanged base first): chr2-206787921-CTT-C. GRCh37 (hg19) VCF-style: chr2-207652645-CTT-C.
Other names: c.1595-12_1595-11del (NM_001136194.2, NM_014929.4).
Identifiers: ClinVar variation 2502585 (VCV002502585.4), dbSNP rs762496331, ClinGen allele CA2075223.
Genomic context (GRCh38, chr2:206,787,921, plus strand): 5'-TAAATATATACTAATATAGTTTTTTAATGTTGCATTTATTTCTTCTTAATGATATACTCT[CTT>C]TTTCATCTTTTAGATGACATGAAGAATGCTTACAAGCTGCATACTTTGGATACTTGTCTA-3'

ClinVar aggregate classification (germline): Likely benign. Review status: criteria provided, multiple submitters, no conflicts (2 of 4 stars). 2 submissions from 2 submitters: Likely benign (2). Last evaluated 2024-09-09.

Submissions (2):

Labcorp Genetics (formerly Invitae), Labcorp
Classification: Likely benign. Last evaluated: 2024-09-09. Review status: criteria provided, single submitter. Criteria: Invitae Variant Classification Sherloc (09022015). Collection method: clinical testing. Allele origin: germline.

GeneDx
Classification: Likely benign. Last evaluated: 2023-05-23. Review status: criteria provided, single submitter. Criteria: GeneDx Variant Classification Process June 2021. Collection method: clinical testing. Allele origin: germline.
Comment: See Variant Classification Assertion Criteria.